The following is an entry in ClinVar:

NM_138694.4(PKHD1):c.4462_4475del (p.Met1488fs)

Gene: PKHD1 (PKHD1 ciliary IPT domain containing fibrocystin/polyductin; minus strand). Cytogenetic location: 6p12.2.
Variant type: Deletion.
Coding change: c.4462_4475del on transcript NM_138694.4 (MANE Select); coding-DNA positions 4462 to 4475, 14 bases deleted (ATGGATGCCTTGTC).
Protein change: p.Met1488fs; shifts the reading frame from methionine 1488.
Molecular consequence: frameshift variant.
Genome position (GRCh38, 1-based): chr6:52,025,335-52,025,348, GACAAGGCATCCAT deleted on the plus strand (ATGGATGCCTTGTC on the coding strand, the reverse complement: PKHD1 is on the minus strand); deleting any 14 consecutive bases within chr6:52,025,335-52,025,352 gives the same sequence; the c. name uses the placement nearest the transcript's 3' end. VCF-style (leftmost placement, unchanged base first): chr6-52025334-GGACAAGGCATCCAT-G. GRCh37 (hg19) VCF-style: chr6-51890132-GGACAAGGCATCCAT-G.
Other names: c.4462_4475del, p.Met1488fs (NM_170724.3); c.4462_4475del (NM_138694.3); short protein forms M1488fs.
Identifiers: ClinVar variation 3670457 (VCV003670457.4).

ClinVar aggregate classification (germline): Pathogenic/Likely pathogenic. Review status: criteria provided, multiple submitters, no conflicts (2 of 4 stars). 2 submissions from 2 submitters: Pathogenic (1); Likely pathogenic (1). Last evaluated 2024-06-06.

Conditions:
Autosomal recessive polycystic kidney disease (ARPKD). Also called: AR polycystic kidney disease. Identifiers: Orphanet 731, Orphanet 8378, MedGen C0085548, MeSH D017044, MONDO:0009889.

Submissions (2):

Natera, Inc.
Classification: Likely pathogenic for Autosomal recessive polycystic kidney disease. Last evaluated: 2024-06-06. Review status: criteria provided, single submitter. Criteria: Natera Variant Classification Schema (03/2026). Collection method: clinical testing. Allele origin: germline.
Comment: The c.4462_4475del variant in PKHD1 is a frameshift variant predicted to shift the reading frame beginning at codon 1488 and leads to a stop codon 13 codons downstream. This variant is expected to result in nonsense mediated decay, truncation, or a dysfunctional protein product. This variant is rare in the general population with a frequency below the threshold expected for the associated phenotype(s). Given the available evidence, this variant is classified as Likely Pathogenic.

Labcorp Genetics (formerly Invitae), Labcorp
Classification: Pathogenic for Autosomal recessive polycystic kidney disease. Last evaluated: 2024-02-08. Review status: criteria provided, single submitter. Criteria: Invitae Variant Classification Sherloc (09022015). Collection method: clinical testing. Allele origin: germline.
Comment: This sequence change creates a premature translational stop signal (p.Met1488Hisfs*13) in the PKHD1 gene. It is expected to result in an absent or disrupted protein product. Loss-of-function variants in PKHD1 are known to be pathogenic (PMID: 19940839). This variant is present in population databases (no rsID available, gnomAD 0.007%). This variant has not been reported in the literature in individuals affected with PKHD1-related conditions. For these reasons, this variant has been classified as Pathogenic.

Literature cited by the submitters: PubMed 19940839 (cited by Labcorp Genetics (formerly Invitae), Labcorp).